The following is an entry in ClinVar:

ClinVar aggregate classification (germline): Benign/Likely benign. Review status: criteria provided, multiple submitters, no conflicts (2 of 4 stars). 9 submissions from 8 submitters: Benign (5); Likely benign (4). Last evaluated 2026-08-01.

Conditions:
Lethal Kniest-like syndrome (DDSH). Also called: Dyssegmental Dysplasia. Identifiers: Orphanet 1865, MedGen C1857100, MONDO:0009140, OMIM 224410.
Schwartz-Jampel syndrome. Also called: Myotonic myopathy dwarfism chondrodystrophy and ocular and facial abnormalities. Identifiers: Orphanet 800, MedGen C0036391, MONDO:0009717.
HSPG2-related disorder. Also called: HSPG2-related condition; HSPG2-related disorders.

Allele frequency attached by ClinVar (database versions not stated): gnomAD exomes 0.00106; ExAC 0.00117; 1000 Genomes Project 30x 0.00219; 1000 Genomes Project 0.00260; ESP Exome Variant Server 0.00315; gnomAD 0.00338 and 0.00374; TOPMed 0.00394.
gnomAD v4.1: 1,050 of 1,603,102 alleles (0.065%); highest among the groups gnomAD compares: African/African-American, 1.1%; 6 homozygotes.

Submissions (9):

CeGaT Center for Human Genetics Tuebingen
Classification: Likely benign. Last evaluated: 2026-08-01. Review status: criteria provided, single submitter. Criteria: CeGaT Center For Human Genetics Tuebingen Variant Classification Criteria Version 2. Collection method: clinical testing. Allele origin: germline. Affected: yes. Observed: 3 variant alleles.
Comment: HSPG2: BP4, BP7, BS1

Labcorp Genetics (formerly Invitae), Labcorp
Classification: Benign. Last evaluated: 2026-01-08. Review status: criteria provided, single submitter. Criteria: Invitae Variant Classification Sherloc (09022015). Collection method: clinical testing. Allele origin: germline.

PreventionGenetics, part of Exact Sciences
Classification: Benign for HSPG2-related condition. Last evaluated: 2024-11-15. Review status: criteria provided, single submitter. Criteria: ACMG Guidelines, 2015. Collection method: clinical testing. Allele origin: germline.
Comment: This variant is classified as benign based on ACMG/AMP sequence variant interpretation guidelines (Richards et al. 2015 PMID: 25741868, with internal and published modifications).

ARUP Laboratories, Molecular Genetics and Genomics, ARUP Laboratories
Classification: Benign. Last evaluated: 2024-09-30. Review status: criteria provided, single submitter. Criteria: ARUP Molecular Germline Variant Investigation Process 2024. Collection method: clinical testing. Allele origin: germline.

Blueprint Genetics
Classification: Likely benign. Last evaluated: 2024-09-20. Review status: criteria provided, single submitter. Criteria: ACMG Guidelines, 2015. Collection method: clinical testing. Allele origin: germline.

GeneDx
Classification: Likely benign. Last evaluated: 2021-01-29. Review status: criteria provided, single submitter. Criteria: GeneDx Variant Classification Process June 2021. Collection method: clinical testing. Allele origin: germline. Affected: yes.

Illumina Laboratory Services, Illumina
Classification: Benign for Schwartz-Jampel syndrome type 1. Last evaluated: 2018-01-13. Review status: criteria provided, single submitter. Criteria: ICSL Variant Classification Criteria 13 December 2019. Collection method: clinical testing. Allele origin: germline.
Comment: This variant was observed in the ICSL laboratory as part of a predisposition screen in an ostensibly healthy population. It had not been previously curated by ICSL or reported in the Human Gene Mutation Database (HGMD: prior to June 1st, 2018), and was therefore a candidate for classification through an automated scoring system. Utilizing variant allele frequency, disease prevalence and penetrance estimates, and inheritance mode, an automated score was calculated to assess if this variant is too frequent to cause the disease. Based on the score and internal cut-off values, a variant classified as benign is not then subjected to further curation. The score for this variant resulted in a classification of benign for this disease.

Illumina Laboratory Services, Illumina
Classification: Benign for Lethal Kniest-like syndrome. Last evaluated: 2018-01-13. Review status: criteria provided, single submitter. Criteria: ICSL Variant Classification Criteria 13 December 2019. Collection method: clinical testing. Allele origin: germline.
Comment: the same text as in the submission from Illumina Laboratory Services, Illumina above.

Breakthrough Genomics
Classification: Likely benign. Review status: criteria provided, single submitter. Criteria: ACMG Guidelines, 2015. Collection method: not provided. Allele origin: germline. Inheritance: Autosomal recessive inheritance. Affected: yes.

NM_005529.7(HSPG2):c.9945G>A (p.Thr3315=)

Gene: HSPG2 (heparan sulfate proteoglycan 2; minus strand). Cytogenetic location: 1p36.12.
Variant type: single nucleotide variant.
Coding change: c.9945G>A on transcript NM_005529.7 (MANE Select); coding-DNA position 9945, G replaced by A.
Protein change: p.Thr3315=; no amino-acid change (threonine 3315 retained).
Molecular consequence: synonymous variant.
Genome position (GRCh38, 1-based): chr1:21,839,030, C>T on the plus strand (G>A on the coding strand, the complement: HSPG2 is on the minus strand). VCF-style: chr1-21839030-C-T. GRCh37 (hg19) VCF-style: chr1-22165523-C-T.
Other names: c.9948G>A, p.Thr3316= (NM_001291860.2).
Identifiers: ClinVar variation 295748 (VCV000295748.31), dbSNP rs77713482, ClinGen allele CA670261.